The following is an entry in ClinVar:

ClinVar aggregate classification (germline): Uncertain significance (1 of 4 stars; one submission).

Conditions:
Hereditary spastic paraplegia 30. Identifiers: Orphanet 101010, MedGen C5235139, MONDO:0012476.
Neuropathy, hereditary sensory, type 2C. Also called: Hereditary sensory and autonomic neuropathy type IIC; KIF1A-Related HSAN2 (HSAN2C). Identifiers: Orphanet 970, MedGen C3280168, MONDO:0013634, OMIM 614213.
Intellectual disability, autosomal dominant 9 (NESCAVS). Also called: NESCAV SYNDROME; KIF1A-Related Neurodevelopmental Disorder. Identifiers: Orphanet 662367, MedGen C5393830, MONDO:0013656, OMIM 614255.

Allele frequency attached by ClinVar (database versions not stated): gnomAD exomes 0.00001; ExAC 0.00012.
gnomAD v4.1: 20 of 1,607,014 alleles (0.0012%); highest among the groups gnomAD compares: East Asian, 0.045%; no homozygotes.

Submission:

Labcorp Genetics (formerly Invitae), Labcorp
Classification: Uncertain significance for Hereditary spastic paraplegia 30; Neuropathy, hereditary sensory, type 2C; Intellectual disability, autosomal dominant 9. Last evaluated: 2024-04-24. Review status: criteria provided, single submitter. Criteria: Invitae Variant Classification Sherloc (09022015). Collection method: clinical testing. Allele origin: germline.
Comment: This sequence change falls in intron 27 of the KIF1A gene. It does not directly change the encoded amino acid sequence of the KIF1A protein. It affects a nucleotide within the consensus splice site. This variant is present in population databases (rs746204456, gnomAD 0.05%). This variant has not been reported in the literature in individuals affected with KIF1A-related conditions. ClinVar contains an entry for this variant (Variation ID: 2162883). Variants that disrupt the consensus splice site are a relatively common cause of aberrant splicing (PMID: 17576681, 9536098). Algorithms developed to predict the effect of sequence changes on RNA splicing suggest that this variant is not likely to affect RNA splicing. In summary, the available evidence is currently insufficient to determine the role of this variant in disease. Therefore, it has been classified as a Variant of Uncertain Significance.

Literature cited by the submitters: PubMed 17576681; PubMed 9536098.

NM_001244008.2(KIF1A):c.3202+6T>C

Gene: KIF1A (kinesin family member 1A; minus strand). Cytogenetic location: 2q37.3.
Variant type: single nucleotide variant.
Coding change: c.3202+6T>C on transcript NM_001244008.2 (MANE Select); 6 bases into the intron after coding-DNA position 3202, T replaced by C.
Molecular consequence: intron variant.
Genome position (GRCh38, 1-based): chr2:240,746,033, A>G on the plus strand (T>C on the coding strand, the complement: KIF1A is on the minus strand). VCF-style: chr2-240746033-A-G. GRCh37 (hg19) VCF-style: chr2-241685450-A-G.
Other names: c.2899+6T>C (NM_001379653.1, NM_001379650.1, NM_001379640.1 and 6 more transcripts); c.3175+6T>C (NM_001379645.1, NM_001379633.1, NM_001379642.1); c.3001+6T>C (NM_001379635.1, NM_001330290.2, NM_001379646.1 and 1 more transcripts); c.3151+6T>C (NM_001379632.1); c.2974+6T>C (NM_001379637.1, NM_001379648.1); c.2926+6T>C (NM_001320705.2, NM_001379638.1, NM_001330289.2); c.3277+6T>C (NM_001379631.1).
Identifiers: ClinVar variation 2162883 (VCV002162883.4), dbSNP rs746204456, ClinGen allele CA2207888.
Genomic context (GRCh38, chr2:240,746,033, plus strand): 5'-GGGCCGGGCTCAGGAACCAGGTCTCAGCATCCCCTACGCCCTGGGCAGCTGGGGTGGGCG[A>G]CCCACCTGAACAGGTGTTGTTGTTGACTTCATCGGCTGAGGGCCCCACGTCTGCACCCTG-3'